The following is an entry in ClinVar:

ClinVar aggregate classification (germline): Uncertain significance (1 of 4 stars; one submission).

Conditions:
Inborn genetic diseases. Identifiers: MedGen C0950123, MeSH D030342.

Submission:

Ambry Genetics
Classification: Uncertain significance for Inborn genetic diseases. Last evaluated: 2025-04-12. Review status: criteria provided, single submitter. Criteria: Ambry Variant Classification Scheme 2023. Collection method: clinical testing. Allele origin: germline.
Comment: The p.V1440L variant (also known as c.4318G>C), located in coding exon 30 of the ANKRD26 gene, results from a G to C substitution at nucleotide position 4318. The valine at codon 1440 is replaced by leucine, an amino acid with highly similar properties. This amino acid position is conserved. In addition, this alteration is predicted to be tolerated by in silico analysis. Based on the available evidence, the clinical significance of this variant remains unclear.

NM_014915.3(ANKRD26):c.4318G>C (p.Val1440Leu)

Gene: ANKRD26 (ankyrin repeat domain containing 26; minus strand). Cytogenetic location: 10p12.1.
Variant type: single nucleotide variant.
Coding change: c.4318G>C on transcript NM_014915.3 (MANE Select); coding-DNA position 4318, G replaced by C.
Protein change: p.Val1440Leu; replaces valine 1440 with leucine.
Molecular consequence: missense variant.
Genome position (GRCh38, 1-based): chr10:27,017,690, C>G on the plus strand (G>C on the coding strand, the complement: ANKRD26 is on the minus strand). VCF-style: chr10-27017690-C-G. GRCh37 (hg19) VCF-style: chr10-27306619-C-G.
Other names: c.4315G>C, p.Val1439Leu (NM_001256053.2); short protein forms V1439L, V1440L.
Identifiers: ClinVar variation 3913694 (VCV003913694.1).